The following is an entry in ClinVar:

ClinVar aggregate classification (germline): Uncertain significance (1 of 4 stars; one submission).

Conditions:
Arrhythmogenic right ventricular dysplasia 13. Also called: ARRHYTHMOGENIC RIGHT VENTRICULAR CARDIOMYOPATHY 13; Arrhythmogenic right ventricular dysplasia, familial, 13. Identifiers: MedGen C3810138, MONDO:0000908, OMIM 615616.

Allele frequency attached by ClinVar (database versions not stated): gnomAD 0.00001; ESP Exome Variant Server 0.00008; TOPMed 0.00001.
gnomAD v4.1: 4 of 1,613,538 alleles (0.00025%); highest among the groups gnomAD compares: African/African-American, 0.004%; no homozygotes.

Submission:

Labcorp Genetics (formerly Invitae), Labcorp
Classification: Uncertain significance for Arrhythmogenic right ventricular dysplasia 13. Last evaluated: 2022-09-19. Review status: criteria provided, single submitter. Criteria: Invitae Variant Classification Sherloc (09022015). Collection method: clinical testing. Allele origin: germline.
Comment: This sequence change replaces phenylalanine, which is neutral and non-polar, with leucine, which is neutral and non-polar, at codon 774 of the CTNNA3 protein (p.Phe774Leu). This variant is not present in population databases (gnomAD no frequency). This variant has not been reported in the literature in individuals affected with CTNNA3-related conditions. Advanced modeling of protein sequence and biophysical properties (such as structural, functional, and spatial information, amino acid conservation, physicochemical variation, residue mobility, and thermodynamic stability) performed at Invitae indicates that this missense variant is not expected to disrupt CTNNA3 protein function. In summary, the available evidence is currently insufficient to determine the role of this variant in disease. Therefore, it has been classified as a Variant of Uncertain Significance.

NM_013266.4(CTNNA3):c.2322C>G (p.Phe774Leu)

Gene: CTNNA3 (catenin alpha 3; minus strand). Cytogenetic location: 10q21.3.
Variant type: single nucleotide variant.
Coding change: c.2322C>G on transcript NM_013266.4 (MANE Select); coding-DNA position 2322, C replaced by G.
Protein change: p.Phe774Leu; replaces phenylalanine 774 with leucine.
Molecular consequence: missense variant.
Genome position (GRCh38, 1-based): chr10:65,966,690, G>C on the plus strand (C>G on the coding strand, the complement: CTNNA3 is on the minus strand). VCF-style: chr10-65966690-G-C. GRCh37 (hg19) VCF-style: chr10-67726448-G-C.
Other names: c.2322C>G, p.Phe774Leu (NM_001127384.3); short protein forms F774L.
Identifiers: ClinVar variation 2070221 (VCV002070221.4), dbSNP rs374450104, ClinGen allele CA208954163.